The following is an entry in ClinVar:

ClinVar aggregate classification (germline): Benign (1 of 4 stars; one submission).

Allele frequency attached by ClinVar (database versions not stated): gnomAD 0.05413; TOPMed 0.06329; 1000 Genomes Project 30x 0.07076; 1000 Genomes Project 0.07364.
gnomAD v4.1: 6,195 of 111,411 alleles (5.6%); highest among the groups gnomAD compares: African/African-American, 16%; 302 homozygotes.

Submission:

GeneDx
Classification: Benign. Last evaluated: 2018-06-16. Review status: criteria provided, single submitter. Criteria: GeneDx Variant Classification (06012015). Collection method: clinical testing. Allele origin: germline. Affected: yes.
Comment: This variant is considered likely benign or benign based on one or more of the following criteria: it is a conservative change, it occurs at a poorly conserved position in the protein, it is predicted to be benign by multiple in silico algorithms, and/or has population frequency not consistent with disease.

NM_004006.3(DMD):c.8218-453C>T

Gene: DMD (dystrophin; minus strand). Cytogenetic location: Xp21.1.
Variant type: single nucleotide variant.
Coding change: c.8218-453C>T on transcript NM_004006.3 (MANE Select); 453 bases into the intron before coding-DNA position 8218, C replaced by T.
Molecular consequence: intron variant.
Genome position (GRCh38, 1-based): chrX:31,507,906, G>A on the plus strand (C>T on the coding strand, the complement: DMD is on the minus strand). VCF-style: chrX-31507906-G-A. GRCh37 (hg19) VCF-style: chrX-31526023-G-A.
Other names: c.8194-453C>T (NM_000109.4); c.4195-453C>T (NM_004011.4); c.4186-453C>T (NM_004012.4); c.838-453C>T (NM_004023.3, NM_004020.4, NM_004022.3 and 2 more transcripts); c.30+302C>T (NM_004014.3); c.8206-453C>T (NM_004009.3); c.7849-453C>T (NM_004010.3).
Identifiers: ClinVar variation 680599 (VCV000680599.1), dbSNP rs59172405, ClinGen allele CA328438253.